The following is an entry in ClinVar:

NM_017570.5(OPLAH):c.158G>A (p.Arg53His)

Gene: OPLAH (5-oxoprolinase, ATP-hydrolysing; minus strand). Cytogenetic location: 8q24.3.
Variant type: single nucleotide variant.
Coding change: c.158G>A on transcript NM_017570.5 (MANE Select); coding-DNA position 158, G replaced by A.
Protein change: p.Arg53His; replaces arginine 53 with histidine.
Molecular consequence: missense variant.
Genome position (GRCh38, 1-based): chr8:144,059,875, C>T on the plus strand (G>A on the coding strand, the complement: OPLAH is on the minus strand). VCF-style: chr8-144059875-C-T. GRCh37 (hg19) VCF-style: chr8-145114778-C-T.
Other names: c.158G>A (NM_017570.3, NM_017570.4); short protein forms R53H.
Identifiers: ClinVar variation 1513975 (VCV001513975.7), dbSNP rs370049811, ClinGen allele CA4932392.

ClinVar aggregate classification (germline): Uncertain significance. Review status: criteria provided, multiple submitters, no conflicts (2 of 4 stars). 4 submissions from 4 submitters: Uncertain significance (4). Last evaluated 2025-12-11.

Conditions:
OPLAH-related disorder. Also called: OPLAH-related condition.
5-Oxoprolinase deficiency (OPLAHD). Also called: 5-OXOPROLINURIA DUE TO 5-OXOPROLINASE DEFICIENCY. Identifiers: Orphanet 33572, MedGen C0268525, MONDO:0009825, OMIM 260005, HP:0040142.

Allele frequency attached by ClinVar (database versions not stated): 1000 Genomes Project 30x 0.00016; 1000 Genomes Project 0.00020; gnomAD exomes 0.00025; ExAC 0.00030; TOPMed 0.00031; ESP Exome Variant Server 0.00032; gnomAD 0.00039 and 0.00042.
gnomAD v4.1: 419 of 1,612,676 alleles (0.026%); highest among the groups gnomAD compares: Non-Finnish European, 0.03%; no homozygotes.

Submissions (4):

PreventionGenetics, part of Exact Sciences
Classification: Uncertain significance for OPLAH-related condition. Last evaluated: 2025-12-11. Review status: criteria provided, single submitter. Criteria: ACMG Guidelines, 2015. Collection method: clinical testing. Allele origin: germline.
Comment: The OPLAH c.158G>A variant is predicted to result in the amino acid substitution p.Arg53His. To our knowledge, this variant has not been reported in the literature. This variant is reported in 0.097% of alleles in individuals of Ashkenazi Jewish descent in gnomAD. At this time, the clinical significance of this variant is uncertain due to the absence of conclusive functional and genetic evidence.

Labcorp Genetics (formerly Invitae), Labcorp
Classification: Uncertain significance for 5-Oxoprolinase deficiency. Last evaluated: 2024-10-07. Review status: criteria provided, single submitter. Criteria: Invitae Variant Classification Sherloc (09022015). Collection method: clinical testing. Allele origin: germline.
Comment: This sequence change replaces arginine, which is basic and polar, with histidine, which is basic and polar, at codon 53 of the OPLAH protein (p.Arg53His). This variant is present in population databases (rs370049811, gnomAD 0.1%). This variant has not been reported in the literature in individuals affected with OPLAH-related conditions. ClinVar contains an entry for this variant (Variation ID: 1513975). An algorithm developed to predict the effect of missense changes on protein structure and function (PolyPhen-2) suggests that this variant is likely to be disruptive. In summary, the available evidence is currently insufficient to determine the role of this variant in disease. Therefore, it has been classified as a Variant of Uncertain Significance.

Fulgent Genetics
Classification: Uncertain significance for 5-Oxoprolinase deficiency. Last evaluated: 2022-01-24. Review status: criteria provided, single submitter. Criteria: ACMG Guidelines, 2015. Collection method: clinical testing. Allele origin: unknown.

Ambry Genetics
Classification: Uncertain significance. Last evaluated: 2021-07-13. Review status: criteria provided, single submitter. Criteria: Ambry Variant Classification Scheme 2023. Collection method: clinical testing. Allele origin: germline.